The following is an entry in ClinVar:

NM_017849.4(TMEM127):c.19G>T (p.Ala7Ser)

Genes: TMEM127 (transmembrane protein 127; minus strand), LOC129934333 (ATAC-STARR-seq lymphoblastoid silent region 11759; plus strand). Cytogenetic location: 2q11.2.
Variant type: single nucleotide variant.
Coding change: c.19G>T on transcript NM_017849.4 (MANE Select); coding-DNA position 19, G replaced by T.
Protein change: p.Ala7Ser; replaces alanine 7 with serine.
Molecular consequence: missense variant.
Genome position (GRCh38, 1-based): chr2:96,265,363, C>A on the plus strand (G>T on the coding strand, the complement: TMEM127 is on the minus strand). VCF-style: chr2-96265363-C-A. GRCh37 (hg19) VCF-style: chr2-96931101-C-A.
Other names: c.19G>T, p.Ala7Ser (NM_001193304.3); short protein forms A7S.
Identifiers: ClinVar variation 1784161 (VCV001784161.9), dbSNP rs1390402715, ClinGen allele CA347656320.
Genomic context (GRCh38, chr2:96,265,363, plus strand): 5'-GCTGCTTGGGCAGAGCGCTGCCTCCCGGGCTCCTCCGCCGGCGCCCGCCGGGCAGCCCTG[C>A]GCCTCCGGGGGCGTACATGCCCGGGGCCGCCCGCCGTCGCTCCGCAGTCGCTGCTGGTCG-3'
Protein context (NP_060319.1, residues 1-17): MYAPGG[Ala7Ser]GLPGGRRRRS

ClinVar aggregate classification (germline): Uncertain significance. Review status: criteria provided, multiple submitters, no conflicts (2 of 4 stars). 2 submissions from 2 submitters: Uncertain significance (2). Last evaluated 2025-04-16.

Conditions:
Hereditary cancer-predisposing syndrome. Also called: Tumor predisposition; Hereditary Cancer Syndrome; Hereditary neoplastic syndrome; Neoplastic Syndromes, Hereditary. Identifiers: Orphanet 140162, MedGen C0027672, MeSH D009386, MONDO:0015356.
Hereditary pheochromocytoma and paraganglioma. Also called: Hereditary paragangliomas and pheochromocytomas; Hereditary Paraganglioma-Pheochromocytoma Syndromes; Hereditary pheochromocytoma-paraganglioma. Identifiers: Orphanet 29072, MedGen C4274332, MONDO:0017366.

gnomAD v4.1: 1 of 1,482,520 alleles (0.000067%); highest among the groups gnomAD compares: Non-Finnish European, 0.000089%; no homozygotes.

Submissions (2):

Labcorp Genetics (formerly Invitae), Labcorp
Classification: Uncertain significance for Hereditary pheochromocytoma and paraganglioma. Last evaluated: 2025-04-16. Review status: criteria provided, single submitter. Criteria: Invitae Variant Classification Sherloc (09022015). Collection method: clinical testing. Allele origin: germline.
Comment: This sequence change replaces alanine, which is neutral and non-polar, with serine, which is neutral and polar, at codon 7 of the TMEM127 protein (p.Ala7Ser). This variant is not present in population databases (gnomAD no frequency). This variant has not been reported in the literature in individuals affected with TMEM127-related conditions. ClinVar contains an entry for this variant (Variation ID: 1784161). Experimental studies and prediction algorithms are not available or were not evaluated, and the functional significance of this variant is currently unknown. In summary, the available evidence is currently insufficient to determine the role of this variant in disease. Therefore, it has been classified as a Variant of Uncertain Significance.

Ambry Genetics
Classification: Uncertain significance for Hereditary cancer-predisposing syndrome. Last evaluated: 2022-10-27. Review status: criteria provided, single submitter. Criteria: Ambry Variant Classification Scheme 2023. Collection method: clinical testing. Allele origin: germline.
Comment: The p.A7S variant (also known as c.19G>T), located in coding exon 1 of the TMEM127 gene, results from a G to T substitution at nucleotide position 19. The alanine at codon 7 is replaced by serine, an amino acid with similar properties. This amino acid position is conserved. In addition, this alteration is predicted to be tolerated by in silico analysis. Since supporting evidence is limited at this time, the clinical significance of this alteration remains unclear.